The following is an entry in ClinVar:

NM_001360016.2(G6PD):c.26G>A (p.Arg9Gln)

Genes: G6PD (glucose-6-phosphate dehydrogenase; minus strand), IKBKG (inhibitor of nuclear factor kappa B kinase regulatory subunit gamma; plus strand). Cytogenetic location: Xq28.
Variant type: single nucleotide variant.
Coding change: c.26G>A on transcript NM_001360016.2 (MANE Select); coding-DNA position 26, G replaced by A.
Protein change: p.Arg9Gln; replaces arginine 9 with glutamine.
Molecular consequence: missense variant. On other transcripts: intron variant (4).
Genome position (GRCh38, 1-based): chrX:154,546,130, C>T on the plus strand (G>A on the coding strand, the complement: G6PD is on the minus strand). VCF-style: chrX-154546130-C-T. GRCh37 (hg19) VCF-style: chrX-153774345-C-T.
Other names: c.116G>A, p.Arg39Gln (NM_000402.4); c.26G>A, p.Arg9Gln (NM_001042351.3); c.-16+4739C>T (NM_001377312.1, NM_001377313.1); c.189+3678C>T (NM_001099856.6); c.-16+3743C>T (NM_001321396.3); short protein forms R39Q, R9Q.
Identifiers: ClinVar variation 2987800 (VCV002987800.3), dbSNP rs2070706009, ClinGen allele CA415202543.
Genomic context (GRCh38, chrX:154,546,130, plus strand): 5'-GACTGATGGAAGGCATCGCCCTGGAAAAGCTCTTCCCGCAGGATCCCGCACACCTGGGTC[C>T]GGCTCAGGGCCACCTGCTCTGCCATGACGCTGTCTGGTGGAAGAAAGGCTCGTTAACAAG-3'
Protein context (NP_001346945.1, residues 1-19): MAEQVALS[Arg9Gln]TQVCGILREE

ClinVar aggregate classification (germline): Uncertain significance (1 of 4 stars; one submission).

Conditions:
Anemia, nonspherocytic hemolytic, due to G6PD deficiency (CNSHA1). Also called: Hemolytic anemia due to G6PD deficiency; Class I glucose-6-phosphate dehydrogenase deficiency; Favism, susceptibility to; ANEMIA, CONGENITAL, NONSPHEROCYTIC HEMOLYTIC, 1. Identifiers: Orphanet 466026, MedGen C2720289, MONDO:0010480, OMIM 300908.

Allele frequency attached by ClinVar (database versions not stated): gnomAD exomes below 0.00001; TOPMed 0.00001.
gnomAD v4.1: 2 of 1,210,321 alleles (0.00017%); highest among the groups gnomAD compares: Non-Finnish European, 0.00011%; no homozygotes.

Submission:

Labcorp Genetics (formerly Invitae), Labcorp
Classification: Uncertain significance for Anemia, nonspherocytic hemolytic, due to G6PD deficiency. Last evaluated: 2023-11-12. Review status: criteria provided, single submitter. Criteria: Invitae Variant Classification Sherloc (09022015). Collection method: clinical testing. Allele origin: germline.
Comment: This sequence change replaces arginine, which is basic and polar, with glutamine, which is neutral and polar, at codon 9 of the G6PD protein (p.Arg9Gln). This variant is not present in population databases (gnomAD no frequency). This variant has not been reported in the literature in individuals affected with G6PD-related conditions. Advanced modeling of protein sequence and biophysical properties (such as structural, functional, and spatial information, amino acid conservation, physicochemical variation, residue mobility, and thermodynamic stability) performed at Invitae indicates that this missense variant is expected to disrupt G6PD protein function with a positive predictive value of 95%. In summary, the available evidence is currently insufficient to determine the role of this variant in disease. Therefore, it has been classified as a Variant of Uncertain Significance.